The following is an entry in ClinVar:

ClinVar aggregate classification (germline): Uncertain significance (1 of 4 stars; one submission).

Allele frequency attached by ClinVar (database versions not stated): gnomAD exomes 0.00002 and 0.00003; ExAC 0.00006.
gnomAD v4.1: 29 of 1,614,136 alleles (0.0018%); highest among the groups gnomAD compares: Non-Finnish European, 0.0022%; no homozygotes.

Submission:

Labcorp Genetics (formerly Invitae), Labcorp
Classification: Uncertain significance. Last evaluated: 2022-06-01. Review status: criteria provided, single submitter. Criteria: Invitae Variant Classification Sherloc (09022015). Collection method: clinical testing. Allele origin: germline.
Comment: This variant is present in population databases (rs763674301, gnomAD 0.006%). In summary, the available evidence is currently insufficient to determine the role of this variant in disease. Therefore, it has been classified as a Variant of Uncertain Significance. Algorithms developed to predict the effect of missense changes on protein structure and function are either unavailable or do not agree on the potential impact of this missense change (SIFT: "Tolerated"; PolyPhen-2: "Probably Damaging"; Align-GVGD: "Class C0"). ClinVar contains an entry for this variant (Variation ID: 1434962). This variant has not been reported in the literature in individuals affected with SLC7A14-related conditions. This sequence change replaces threonine, which is neutral and polar, with alanine, which is neutral and non-polar, at codon 298 of the SLC7A14 protein (p.Thr298Ala).

NM_020949.3(SLC7A14):c.892A>G (p.Thr298Ala)

Genes: SLC7A14 (solute carrier family 7 member 14; minus strand), SLC7A14-AS1 (SLC7A14 antisense RNA 1; plus strand). Cytogenetic location: 3q26.2.
Variant type: single nucleotide variant.
Coding change: c.892A>G on transcript NM_020949.3 (MANE Select); coding-DNA position 892, A replaced by G.
Protein change: p.Thr298Ala; replaces threonine 298 with alanine.
Molecular consequence: missense variant.
Genome position (GRCh38, 1-based): chr3:170,486,236, T>C on the plus strand (A>G on the coding strand, the complement: SLC7A14 is on the minus strand). VCF-style: chr3-170486236-T-C. GRCh37 (hg19) VCF-style: chr3-170204025-T-C.
Other names: short protein forms T298A.
Identifiers: ClinVar variation 1434962 (VCV001434962.6), dbSNP rs763674301, ClinGen allele CA2701782.
Genomic context (GRCh38, chr3:170,486,236, plus strand): 5'-CCAGGGCCACATCGTGAGGAGGGTCCCGCAAGCATCTGGTACTTACAGACACATATGCTG[T>C]CAGGCAGATGACCAGGGAGGCAGTGATAGCATAAGGGATGGACGTGTTGGGATTCTTGGC-3'
Protein context (NP_066000.2, residues 288-308): AITASLVICL[Thr298Ala]AYVSVSVILT